The following is an entry in ClinVar:

ClinVar aggregate classification (germline): Uncertain significance (1 of 4 stars; one submission).

Submission:

Women's Health and Genetics/Laboratory Corporation of America, LabCorp
Classification: Uncertain significance. Last evaluated: 2024-03-01. Review status: criteria provided, single submitter. Criteria: LabCorp Variant Classification Summary - May 2015. Collection method: clinical testing. Allele origin: germline.
Comment: Variant summary: KIF11 c.1304G>A (p.Arg435Lys) results in a conservative amino acid change in the encoded protein sequence. Four of five in-silico tools predict a benign effect of the variant on protein function. Consensus agreement among computation tools predict no significant impact on normal splicing. However, these predictions have yet to be confirmed by functional studies. The frequency data for this variant in gnomAD is considered unreliable, as metrics indicate poor data quality at this position. To our knowledge, no occurrence of c.1304G>A in individuals affected with Microcephaly With Or Without Chorioretinopathy, Lymphedema, Or Intellectual Disability and no experimental evidence demonstrating its impact on protein function have been reported. No submitters have cited clinical-significance assessments for this variant to ClinVar. Based on the evidence outlined above, the variant was classified as uncertain significance.

NM_004523.4(KIF11):c.1304G>A (p.Arg435Lys)

Gene: KIF11 (kinesin family member 11; plus strand). Cytogenetic location: 10q23.33.
Variant type: single nucleotide variant.
Coding change: c.1304G>A on transcript NM_004523.4 (MANE Select); coding-DNA position 1304, G replaced by A.
Protein change: p.Arg435Lys; replaces arginine 435 with lysine.
Molecular consequence: missense variant.
Genome position (GRCh38, 1-based): chr10:92,628,894, G>A. VCF-style: chr10-92628894-G-A. GRCh37 (hg19) VCF-style: chr10-94388651-G-A.
Other names: short protein forms R435K.
Identifiers: ClinVar variation 3233702 (VCV003233702.2), dbSNP rs2492512720, ClinGen allele CA377591553.